The following is an entry in ClinVar:

ClinVar aggregate classification (germline): Conflicting classifications of pathogenicity. Review status: criteria provided, conflicting classifications (1 of 4 stars). 4 submissions from 3 submitters: Uncertain significance (3); Likely benign (1). Last evaluated 2025-08-11.

Conditions:
Cardiovascular phenotype. Identifiers: MedGen CN230736.
Hereditary cancer-predisposing syndrome. Also called: Hereditary Cancer Syndrome; Neoplastic Syndromes, Hereditary; Tumor predisposition; Hereditary neoplastic syndrome. Identifiers: Orphanet 140162, MedGen C0027672, MeSH D009386, MONDO:0015356.
Neurofibromatosis, type 1 (NF1). Also called: Neurofibromatosis, type I; VON RECKLINGHAUSEN DISEASE; NEUROFIBROMATOSIS, TYPE I, SOMATIC; Peripheral type neurofibromatosis. Identifiers: Orphanet 636, MedGen C0027831, MONDO:0018975, OMIM 162200. Disease mechanism: loss of function.

Allele frequency attached by ClinVar (database versions not stated): gnomAD exomes below 0.00001 and 0.00001; ExAC 0.00001; gnomAD 0.00001; TOPMed 0.00002.
gnomAD v4.1: 4 of 1,613,940 alleles (0.00025%); highest among the groups gnomAD compares: East Asian, 0.0089%; no homozygotes.

Submissions (4):

Labcorp Genetics (formerly Invitae), Labcorp
Classification: Likely benign for Neurofibromatosis, type 1. Last evaluated: 2025-08-11. Review status: criteria provided, single submitter. Criteria: Invitae Variant Classification Sherloc (09022015). Collection method: clinical testing. Allele origin: germline.

Genome-Nilou Lab
Classification: Uncertain significance for Neurofibromatosis, type 1. Last evaluated: 2022-03-15. Review status: criteria provided, single submitter. Criteria: ACMG Guidelines, 2015. Collection method: clinical testing. Allele origin: germline. Affected: no.

Ambry Genetics
Classification: Uncertain significance for Cardiovascular phenotype; Hereditary cancer-predisposing syndrome. Last evaluated: 2016-12-27. Review status: criteria provided, single submitter. Criteria: Ambry Variant Classification Scheme 2023. Collection method: clinical testing. Allele origin: germline.

Ambry Genetics
Classification: Uncertain significance for Hereditary cancer-predisposing syndrome. Last evaluated: 2015-02-06. Review status: criteria provided, single submitter. Criteria: Ambry Autosomal Dominant and X-Linked criteria (10/2015). Collection method: clinical testing. Allele origin: germline. Observed: 1 variant allele.
Comment: The p.K2224R variant (also known as c.6671A>G or c.6608A>G or p.K2203R), located in coding exon 44 of the NF1 gene, results from an A to G substitution at nucleotide position 6671. The lysine at codon 2224 is replaced by arginine, an amino acid with highly similar properties. This variant was not reported in population based cohorts in the following databases: Database of Single Nucleotide Polymorphisms (dbSNP), NHLBI Exome Sequencing Project (ESP), and 1000 Genomes Project. In the ESP, this variant was not observed in 6503 samples (13006 alleles) with coverage at this position. To date, this alteration has been detected with an allele frequency of approximately 0.003% (greater than 30000alleles tested) in our clinical cohort.This amino acid position is highly conserved in available vertebrate species. In addition, the in silico prediction for this alteration is inconclusive.Since supporting evidence is limited at this time, the clinical significance of p.K2224Rremains unclear.

NM_001042492.3(NF1):c.6671A>G (p.Lys2224Arg)

Gene: NF1 (neurofibromin 1; plus strand). Cytogenetic location: 17q11.2.
Variant type: single nucleotide variant.
Coding change: c.6671A>G on transcript NM_001042492.3 (MANE Select); coding-DNA position 6671, A replaced by G.
Protein change: p.Lys2224Arg; replaces lysine 2224 with arginine.
Molecular consequence: missense variant.
Genome position (GRCh38, 1-based): chr17:31,337,847, A>G. VCF-style: chr17-31337847-A-G. GRCh37 (hg19) VCF-style: chr17-29664865-A-G.
Other names: c.6608A>G, p.Lys2203Arg (NM_000267.4); short protein forms K2203R, K2224R.
Identifiers: ClinVar variation 230336 (VCV000230336.16), dbSNP rs749567006, ClinGen allele CA8487395.
Genomic context (GRCh38, chr17:31,337,847, plus strand): 5'-ACAATATGTATTCAGAGTATCCCCTTTTTTAGGCATGCATGAGAGATATTCCAACGTGCA[A>G]GTGGCTGGACCAGTGGACAGAACTAGCTCAAAGGTATGTCCTAAATTAAATATAAGTTGT-3'
Protein context (NP_001035957.1, residues 2214-2234): EACMRDIPTC[Lys2224Arg]WLDQWTELAQ